The following is an entry in ClinVar:

NM_031433.4(MFRP):c.1057G>T (p.Glu353Ter)

Genes: C1QTNF5 (C1q and TNF related 5; minus strand), MFRP (membrane frizzled-related protein; minus strand). Cytogenetic location: 11q23.3.
Variant type: single nucleotide variant.
Coding change: c.1057G>T on transcript NM_031433.4 (MANE Select); coding-DNA position 1057, G replaced by T.
Protein change: p.Glu353Ter; replaces glutamic acid 353 with a stop codon.
Molecular consequence: nonsense. On other transcripts: 5 prime UTR variant (1).
Genome position (GRCh38, 1-based): chr11:119,343,883, C>A on the plus strand (G>T on the coding strand, the complement: MFRP is on the minus strand). VCF-style: chr11-119343883-C-A. GRCh37 (hg19) VCF-style: chr11-119214593-C-A.
Other names: c.-1580G>T (NM_015645.5); short protein forms E353*.
Identifiers: ClinVar variation 3775851 (VCV003775851.1).

ClinVar aggregate classification (germline): Likely pathogenic (1 of 4 stars; one submission).

Conditions:
Isolated microphthalmia 5. Also called: Posterior Microphthalmia with Retinitis Pigmentosa, Foveoschisis, and Optic Disc Drusen. Identifiers: Orphanet 251279, MedGen C1970236, MONDO:0012605, OMIM 611040.

gnomAD v4.1: 3 of 1,613,942 alleles (0.00019%); highest among the groups gnomAD compares: Non-Finnish European, 0.00025%; no homozygotes.

Submission:

3billion
Classification: Likely pathogenic for Isolated microphthalmia 5. Last evaluated: 2023-11-02. Review status: criteria provided, single submitter. Criteria: ACMG Guidelines, 2015. Collection method: clinical testing. Allele origin: germline. Affected: yes.
Comment: The variant is not observed in the gnomAD v2.1.1 dataset. Predicted Consequence/Location: Stop-gained (nonsense): predicted to result in a loss or disruption of normal protein function through nonsense-mediated decay (NMD) or protein truncation. Multiple pathogenic variants are reported downstream of the variant. Therefore, this variant is classified as Likely pathogenic according to the recommendation of ACMG/AMP guideline.